The following is an entry in ClinVar:

NM_000092.5(COL4A4):c.1543G>T (p.Gly515Ter)

Gene: COL4A4 (collagen type IV alpha 4 chain; minus strand). Cytogenetic location: 2q36.3.
Variant type: single nucleotide variant.
Coding change: c.1543G>T on transcript NM_000092.5 (MANE Select); coding-DNA position 1543, G replaced by T.
Protein change: p.Gly515Ter; replaces glycine 515 with a stop codon.
Molecular consequence: nonsense.
Genome position (GRCh38, 1-based): chr2:227,088,733, C>A on the plus strand (G>T on the coding strand, the complement: COL4A4 is on the minus strand). VCF-style: chr2-227088733-C-A. GRCh37 (hg19) VCF-style: chr2-227953449-C-A.
Other names: short protein forms G515*.
Identifiers: ClinVar variation 1725958 (VCV001725958.2), dbSNP rs765866000, ClinGen allele CA2145136.

ClinVar aggregate classification (germline): Likely pathogenic (1 of 4 stars; one submission).

Conditions:
Autosomal recessive Alport syndrome (ATS2). Also called: Alport syndrome type 2; COL4A4 Alport Syndrome and Thin Basement Membrane Nephropathy; ALPORT SYNDROME 2, AUTOSOMAL RECESSIVE; COL4A3-Related Nephropathy. Identifiers: Orphanet 63, Orphanet 88919, MedGen C4746745, MONDO:0008762, OMIM 203780.

Submission:

Myriad Genetics, Inc.
Classification: Likely pathogenic for Autosomal recessive Alport syndrome. Last evaluated: 2022-04-23. Review status: criteria provided, single submitter. Criteria: Myriad Women's Health Autosomal Recessive and X-Linked Classification Criteria (2021). Collection method: clinical testing. Allele origin: unknown.
Comment: NM_000092.4(COL4A4):c.1543G>T(G515*) is expected to be pathogenic in the context of COL4A4-related Alport syndrome. This variant is predicted to lead to an abnormal or absent protein product due to the creation of a premature termination codon in COL4A4, a gene where loss-of-function variants are known to be pathogenic. Please note: this variant was assessed in the context of healthy population screening.